The following is an entry in ClinVar:

NM_017909.4(RMND1):c.87del (p.Met29fs)

Gene: RMND1 (required for meiotic nuclear division 1 homolog; minus strand). Cytogenetic location: 6q25.1.
Variant type: Deletion.
Coding change: c.87del on transcript NM_017909.4 (MANE Select); coding-DNA position 87, one base deleted (G; older notation c.87delG).
Protein change: p.Met29fs; shifts the reading frame from methionine 29.
Molecular consequence: frameshift variant. On other transcripts: intron variant (1).
Genome position (GRCh38, 1-based): chr6:151,445,725, C deleted on the plus strand (G on the coding strand, the reverse complement: RMND1 is on the minus strand). VCF-style (leftmost placement, unchanged base first): chr6-151445724-AC-A. GRCh37 (hg19) VCF-style: chr6-151766859-AC-A.
Other names: c.-7+6291del (NM_001271937.2); short protein forms M29fs.
Identifiers: ClinVar variation 992885 (VCV000992885.5), dbSNP rs1194763374, ClinGen allele CA571437153.

ClinVar aggregate classification (germline): Pathogenic. Review status: criteria provided, multiple submitters, no conflicts (2 of 4 stars). 2 submissions from 2 submitters: Pathogenic (2). Last evaluated 2020-06-04.

Allele frequency attached by ClinVar (database versions not stated): TOPMed below 0.00001; gnomAD 0.00001; gnomAD exomes 0.00002.

Submissions (2):

GeneDx
Classification: Pathogenic. Last evaluated: 2020-06-04. Review status: criteria provided, single submitter. Criteria: GeneDx Variant Classification Process June 2021. Collection method: clinical testing. Allele origin: germline. Affected: yes.
Comment: Frameshift variant predicted to result in protein truncation or nonsense mediated decay in a gene for which loss-of-function is a known mechanism of disease; Not observed at a significant frequency in large population cohorts (Lek et al., 2016); Has not been previously published as pathogenic or benign to our knowledge

Laboratoire de Génétique Moléculaire, CHU Bordeaux
Classification: Pathogenic. Review status: criteria provided, single submitter. Criteria: ACMG Guidelines, 2015. Collection method: clinical testing. Allele origin: germline. Affected: yes.